The following is an entry in ClinVar:

NM_013352.4(DSE):c.2063C>T (p.Ala688Val)

Gene: DSE (dermatan sulfate epimerase; plus strand). Cytogenetic location: 6q22.1.
Variant type: single nucleotide variant.
Coding change: c.2063C>T on transcript NM_013352.4 (MANE Select); coding-DNA position 2063, C replaced by T.
Protein change: p.Ala688Val; replaces alanine 688 with valine.
Molecular consequence: missense variant. On other transcripts: 3 prime UTR variant (2), non-coding transcript variant (1).
Genome position (GRCh38, 1-based): chr6:116,436,531, C>T. VCF-style: chr6-116436531-C-T. GRCh37 (hg19) VCF-style: chr6-116757694-C-T.
Other names: c.2063C>T (NM_013352.2); c.2063C>T, p.Ala688Val (NM_001080976.3, NM_001322937.2, NM_001322938.2); c.2120C>T, p.Ala707Val (NM_001322939.2); c.1502C>T, p.Ala501Val (NM_001322940.2, NM_001322941.2); c.*928C>T (NM_001322943.2, NM_001322944.2); c.1064C>T, p.Ala355Val (NM_001374520.1); c.1028C>T, p.Ala343Val (NM_001374521.1); short protein forms A707V, A355V, A688V, A343V, A501V.
Identifiers: ClinVar variation 1467058 (VCV001467058.7), dbSNP rs143443243, ClinGen allele CA3969753.

ClinVar aggregate classification (germline): Uncertain significance. Review status: criteria provided, multiple submitters, no conflicts (2 of 4 stars). 2 submissions from 2 submitters: Uncertain significance (2). Last evaluated 2023-02-16.

Conditions:
Ehlers-Danlos syndrome, musculocontractural type 2 (EDSMC2). Identifiers: Orphanet 2953, MedGen C3809845, MONDO:0014236, OMIM 615539.
Inborn genetic diseases. Identifiers: MedGen C0950123, MeSH D030342.

gnomAD v4.1: 30 of 1,614,170 alleles (0.0019%); highest among the groups gnomAD compares: Non-Finnish European, 0.0025%; no homozygotes.

Submissions (2):

Ambry Genetics
Classification: Uncertain significance for Inborn genetic diseases. Last evaluated: 2023-02-16. Review status: criteria provided, single submitter. Criteria: Ambry Variant Classification Scheme 2023. Collection method: clinical testing. Allele origin: germline.

Labcorp Genetics (formerly Invitae), Labcorp
Classification: Uncertain significance for Ehlers-Danlos syndrome, musculocontractural type 2. Last evaluated: 2021-11-22. Review status: criteria provided, single submitter. Criteria: Invitae Variant Classification Sherloc (09022015). Collection method: clinical testing. Allele origin: germline.
Comment: In summary, the available evidence is currently insufficient to determine the role of this variant in disease. Therefore, it has been classified as a Variant of Uncertain Significance. Algorithms developed to predict the effect of missense changes on protein structure and function are either unavailable or do not agree on the potential impact of this missense change (SIFT: "Not Available"; PolyPhen-2: "Benign"; Align-GVGD: "Not Available"). This variant has not been reported in the literature in individuals affected with DSE-related conditions. This variant is present in population databases (rs143443243, gnomAD 0.003%). This sequence change replaces alanine, which is neutral and non-polar, with valine, which is neutral and non-polar, at codon 688 of the DSE protein (p.Ala688Val).